The following is an entry in ClinVar:

ClinVar aggregate classification (germline): Uncertain significance (1 of 4 stars; one submission).

Conditions:
Cardiovascular phenotype. Identifiers: MedGen CN230736.

Submission:

Ambry Genetics
Classification: Uncertain significance for Cardiovascular phenotype. Last evaluated: 2025-06-07. Review status: criteria provided, single submitter. Criteria: Ambry Variant Classification Scheme 2023. Collection method: clinical testing. Allele origin: germline.
Comment: The p.R15P variant (also known as c.44G>C), located in coding exon 1 of the DES gene, results from a G to C substitution at nucleotide position 44. The arginine at codon 15 is replaced by proline, an amino acid with dissimilar properties. This amino acid position is conserved. In addition, this alteration is predicted to be deleterious by in silico analysis. Based on the available evidence, the clinical significance of this variant remains unclear.

NM_001927.4(DES):c.44G>C (p.Arg15Pro)

Gene: DES (desmin; plus strand). Cytogenetic location: 2q35.
Variant type: single nucleotide variant.
Coding change: c.44G>C on transcript NM_001927.4 (MANE Select); coding-DNA position 44, G replaced by C.
Protein change: p.Arg15Pro; replaces arginine 15 with proline.
Molecular consequence: missense variant.
Genome position (GRCh38, 1-based): chr2:219,418,506, G>C. VCF-style: chr2-219418506-G-C. GRCh37 (hg19) VCF-style: chr2-220283228-G-C.
Other names: c.44G>C, p.Arg15Pro (NM_001382708.1, NM_001382709.1, NM_001382710.1 and 3 more transcripts); short protein forms R15P.
Identifiers: ClinVar variation 4011018 (VCV004011018.1).